The following is an entry in ClinVar:

ClinVar aggregate classification (germline): Pathogenic (1 of 4 stars; one submission).

Submission:

Labcorp Genetics (formerly Invitae), Labcorp
Classification: Pathogenic. Last evaluated: 2025-03-07. Review status: criteria provided, single submitter. Criteria: Invitae Variant Classification Sherloc (09022015). Collection method: clinical testing. Allele origin: germline.
Comment: This sequence change creates a premature translational stop signal (p.Gln184*) in the NOTCH3 gene. It is expected to result in an absent or disrupted protein product. Loss-of-function variants in NOTCH3 are known to be pathogenic (PMID: 25870235, 32980981, 38824264). This variant is not present in population databases (gnomAD no frequency). This variant has not been reported in the literature in individuals affected with NOTCH3-related conditions. ClinVar contains an entry for this variant (Variation ID: 2201587). For these reasons, this variant has been classified as Pathogenic.

Literature cited by the submitters: PubMed 25870235; PubMed 32980981; PubMed 38824264.

NM_000435.3(NOTCH3):c.550C>T (p.Gln184Ter)

Gene: NOTCH3 (notch receptor 3; minus strand). Cytogenetic location: 19p13.12.
Variant type: single nucleotide variant.
Coding change: c.550C>T on transcript NM_000435.3 (MANE Select); coding-DNA position 550, C replaced by T.
Protein change: p.Gln184Ter; replaces glutamine 184 with a stop codon.
Molecular consequence: nonsense.
Genome position (GRCh38, 1-based): chr19:15,192,089, G>A on the plus strand (C>T on the coding strand, the complement: NOTCH3 is on the minus strand). VCF-style: chr19-15192089-G-A. GRCh37 (hg19) VCF-style: chr19-15302900-G-A.
Other names: short protein forms Q184*.
Identifiers: ClinVar variation 2201587 (VCV002201587.4), dbSNP rs907320913, ClinGen allele CA305777902.